The following is an entry in ClinVar:

ClinVar aggregate classification (germline): Likely benign (1 of 4 stars; one submission).

Conditions:
LRRC45-related disorder. Also called: LRRC45-related condition.

gnomAD v4.1: 1 of 1,612,700 alleles (0.000062%); highest among the groups gnomAD compares: African/African-American, 0.0013%; no homozygotes.

Submission:

PreventionGenetics, part of Exact Sciences
Classification: Likely benign for LRRC45-related condition. Last evaluated: 2026-02-20. Review status: criteria provided, single submitter. Criteria: ACMG Guidelines, 2015. Collection method: clinical testing. Allele origin: germline.
Comment: This variant is classified as likely benign based on ACMG/AMP sequence variant interpretation guidelines (Richards et al. 2015 PMID: 25741868, with internal and published modifications).

NM_144999.4(LRRC45):c.1332G>A (p.Leu444=)

Gene: LRRC45 (leucine rich repeat containing 45; plus strand). Cytogenetic location: 17q25.3.
Variant type: single nucleotide variant.
Coding change: c.1332G>A on transcript NM_144999.4 (MANE Select); coding-DNA position 1332, G replaced by A.
Protein change: p.Leu444=; no amino-acid change (leucine 444 retained).
Molecular consequence: synonymous variant.
Genome position (GRCh38, 1-based): chr17:82,029,116, G>A. VCF-style: chr17-82029116-G-A. GRCh37 (hg19) VCF-style: chr17-79986992-G-A.
Identifiers: ClinVar variation 4997368 (VCV004997368.1).
Genomic context (GRCh38, chr17:82,029,116, plus strand): 5'-TCTCCACTCTGGCCCCACAATCCCTGCCCCTGAGCAGGTGGAGCATATGACCCGTCACCT[G>A]GAGGAGAGTGAGAAGGCCATGCAGGAGCGGGTGCAGAGGCTGGAGGCGGCGCGGCTGTCC-3'
Protein context (NP_659436.1, residues 434-454): IKEVEHMTRH[Leu444=]EESEKAMQER